The following is an entry in ClinVar:

NM_014727.3(KMT2B):c.4105G>A (p.Glu1369Lys)

Gene: KMT2B (lysine methyltransferase 2B; plus strand). Cytogenetic location: 19q13.12.
Variant type: single nucleotide variant.
Coding change: c.4105G>A on transcript NM_014727.3 (MANE Select); coding-DNA position 4105, G replaced by A.
Protein change: p.Glu1369Lys; replaces glutamic acid 1369 with lysine.
Molecular consequence: missense variant.
Genome position (GRCh38, 1-based): chr19:35,727,257, G>A. VCF-style: chr19-35727257-G-A. GRCh37 (hg19) VCF-style: chr19-36218158-G-A.
Other names: short protein forms E1369K.
Identifiers: ClinVar variation 3719638 (VCV003719638.2).
Genomic context (GRCh38, chr19:35,727,257, plus strand): 5'-GACTATGAGAGCAAGATGATGCAGTGCGCACAGTGCGATCACTGGGTGCATGCCAAGTGC[G>A]AGGGGCTCTCAGGTGAGTCAGTGGAGCACCTGGGCTGCAGCCTCAACCCTGTGGGGACCC-3'
Protein context (NP_055542.1, residues 1359-1379): QCDHWVHAKC[Glu1369Lys]GLSDEDYEIL

ClinVar aggregate classification (germline): Uncertain significance (1 of 4 stars; one submission).

gnomAD v4.1: 1 of 1,612,920 alleles (0.000062%); no homozygotes.

Submission:

Labcorp Genetics (formerly Invitae), Labcorp
Classification: Uncertain significance. Last evaluated: 2024-09-29. Review status: criteria provided, single submitter. Criteria: Invitae Variant Classification Sherloc (09022015). Collection method: clinical testing. Allele origin: germline.
Comment: This sequence change replaces glutamic acid, which is acidic and polar, with lysine, which is basic and polar, at codon 1369 of the KMT2B protein (p.Glu1369Lys). The frequency data for this variant in the population databases is considered unreliable, as metrics indicate poor data quality at this position in the gnomAD database. This variant has not been reported in the literature in individuals affected with KMT2B-related conditions. Invitae Evidence Modeling of protein sequence and biophysical properties (such as structural, functional, and spatial information, amino acid conservation, physicochemical variation, residue mobility, and thermodynamic stability) has been performed for this missense variant. However, the output from this modeling did not meet the statistical confidence thresholds required to predict the impact of this variant on KMT2B protein function. In summary, the available evidence is currently insufficient to determine the role of this variant in disease. Therefore, it has been classified as a Variant of Uncertain Significance.